The following is an entry in ClinVar:

ClinVar aggregate classification (germline): Uncertain significance (1 of 4 stars; one submission).

Conditions:
Autosomal recessive limb-girdle muscular dystrophy type 2A (LGMDR1). Also called: Muscular dystrophy, limb-girdle, type 2A, Amish; LEYDEN-MOEBIUS MUSCULAR DYSTROPHY; MUSCULAR DYSTROPHY, PELVOFEMORAL; Limb-girdle muscular dystrophy, type 2A; Calpainopathy. Identifiers: Orphanet 267, MedGen C1869123, MONDO:0009675, OMIM 253600. Disease mechanism: loss of function.

Allele frequency attached by ClinVar (database versions not stated): gnomAD 0.00002; TOPMed 0.00002.
gnomAD v4.1: 12 of 1,612,078 alleles (0.00074%); highest among the groups gnomAD compares: African/African-American, 0.0013%; no homozygotes.

Submission:

Labcorp Genetics (formerly Invitae), Labcorp
Classification: Uncertain significance for Autosomal recessive limb-girdle muscular dystrophy type 2A. Last evaluated: 2023-08-01. Review status: criteria provided, single submitter. Criteria: Invitae Variant Classification Sherloc (09022015). Collection method: clinical testing. Allele origin: germline.
Comment: ClinVar contains an entry for this variant (Variation ID: 2155444). In summary, the available evidence is currently insufficient to determine the role of this variant in disease. Therefore, it has been classified as a Variant of Uncertain Significance. Advanced modeling of protein sequence and biophysical properties (such as structural, functional, and spatial information, amino acid conservation, physicochemical variation, residue mobility, and thermodynamic stability) performed at Invitae indicates that this missense variant is not expected to disrupt CAPN3 protein function. This variant has not been reported in the literature in individuals affected with CAPN3-related conditions. This variant is present in population databases (rs564594188, gnomAD 0.003%). This sequence change replaces cysteine, which is neutral and slightly polar, with serine, which is neutral and polar, at codon 697 of the CAPN3 protein (p.Cys697Ser).

NM_000070.3(CAPN3):c.2090G>C (p.Cys697Ser)

Gene: CAPN3 (calpain 3; plus strand). Cytogenetic location: 15q15.1.
Variant type: single nucleotide variant.
Coding change: c.2090G>C on transcript NM_000070.3 (MANE Select); coding-DNA position 2090, G replaced by C.
Protein change: p.Cys697Ser; replaces cysteine 697 with serine.
Molecular consequence: missense variant.
Genome position (GRCh38, 1-based): chr15:42,409,970, G>C. VCF-style: chr15-42409970-G-C. GRCh37 (hg19) VCF-style: chr15-42702168-G-C.
Other names: c.2072G>C, p.Cys691Ser (NM_024344.2); c.1814G>C, p.Cys605Ser (NM_173087.2); c.554G>C, p.Cys185Ser (NM_173088.2); c.95G>C, p.Cys32Ser (NM_173089.2, NM_173090.2); c.*1188G>C (NM_212464.2); c.*1765G>C (NM_212467.2); short protein forms C691S, C32S, C185S, C605S, C697S.
Identifiers: ClinVar variation 2155444 (VCV002155444.2), dbSNP rs564594188, ClinGen allele CA269852732.
Genomic context (GRCh38, chr15:42,409,970, plus strand): 5'-CACTCTTCTCCATCCCCCCAGACAAGGACCTGAAGACACACGGGTTCACACTGGAGTCCT[G>C]CCGTAGCATGATTGCGCTCATGGATGTATCCTTCCTGCCGCCCCTTCCCGACCCTCTGTC-3'
Protein context (NP_000061.1, residues 687-707): LKTHGFTLES[Cys697Ser]RSMIALMDTD